The following is an entry in ClinVar:

NM_015340.4(LARS2):c.668A>C (p.His223Pro)

Gene: LARS2 (leucyl-tRNA synthetase 2, mitochondrial; plus strand). Cytogenetic location: 3p21.31.
Variant type: single nucleotide variant.
Coding change: c.668A>C on transcript NM_015340.4 (MANE Select); coding-DNA position 668, A replaced by C.
Protein change: p.His223Pro; replaces histidine 223 with proline.
Molecular consequence: missense variant.
Genome position (GRCh38, 1-based): chr3:45,458,804, A>C. VCF-style: chr3-45458804-A-C. GRCh37 (hg19) VCF-style: chr3-45500296-A-C.
Other names: c.668A>C, p.His223Pro (NM_001368263.1); short protein forms H223P.
Identifiers: ClinVar variation 3776586 (VCV003776586.1).
Genomic context (GRCh38, chr3:45,458,804, plus strand): 5'-CCCTGGTTAACTGGGACCCAGTGGATCAAACAGTGCTTGCCAATGAGCAGGTGGATGAAC[A>C]TGGCTGTTCATGGCGTTCTGGAGCAAAGGTGGAACAGAAGTACCTCAGACAATGGTTTAT-3'
Protein context (NP_056155.1, residues 213-233): TVLANEQVDE[His223Pro]GCSWRSGAKV

ClinVar aggregate classification (germline): Uncertain significance (1 of 4 stars; one submission).

gnomAD v4.1: 2 of 1,614,116 alleles (0.00012%); highest among the groups gnomAD compares: Non-Finnish European, 0.00017%; no homozygotes.

Submission:

GeneDx
Classification: Uncertain significance. Last evaluated: 2024-10-02. Review status: criteria provided, single submitter. Criteria: GeneDx Variant Classification Process June 2021. Collection method: clinical testing. Allele origin: germline. Affected: yes.
Comment: Not observed at significant frequency in large population cohorts (gnomAD); In silico analysis indicates that this missense variant does not alter protein structure/function; Has not been previously published as pathogenic or benign to our knowledge